The following is an entry in ClinVar:

NM_198525.3(KIF7):c.2060G>A (p.Arg687Gln)

Gene: KIF7 (kinesin family member 7; minus strand). Cytogenetic location: 15q26.1.
Variant type: single nucleotide variant.
Coding change: c.2060G>A on transcript NM_198525.3 (MANE Select); coding-DNA position 2060, G replaced by A.
Protein change: p.Arg687Gln; replaces arginine 687 with glutamine.
Molecular consequence: missense variant.
Genome position (GRCh38, 1-based): chr15:89,645,144, C>T on the plus strand (G>A on the coding strand, the complement: KIF7 is on the minus strand). VCF-style: chr15-89645144-C-T. GRCh37 (hg19) VCF-style: chr15-90188375-C-T.
Other names: short protein forms R687Q.
Identifiers: ClinVar variation 577650 (VCV000577650.9), dbSNP rs200123657, ClinGen allele CA7728344.

ClinVar aggregate classification (germline): Uncertain significance (1 of 4 stars; one submission).

Conditions:
Acrocallosal syndrome (ACLS). Also called: HALLUX DUPLICATION, POSTAXIAL POLYDACTYLY, AND ABSENCE OF CORPUS CALLOSUM; Schinzel syndrome 1; Absence of corpus callosum with unusual facial appearance, mental deficiency, duplication of the halluces and polydactyly. Identifiers: Orphanet 36, MedGen C0796147, MONDO:0008708, OMIM 200990.

Allele frequency attached by ClinVar (database versions not stated): gnomAD 0.00006 and 0.00009; TOPMed 0.00009; 1000 Genomes Project 30x 0.00062; 1000 Genomes Project 0.00080.
gnomAD v4.1: 70 of 1,604,460 alleles (0.0044%); highest among the groups gnomAD compares: East Asian, 0.12%; no homozygotes.

Submission:

Labcorp Genetics (formerly Invitae), Labcorp
Classification: Uncertain significance for Acrocallosal syndrome. Last evaluated: 2024-12-16. Review status: criteria provided, single submitter. Criteria: Invitae Variant Classification Sherloc (09022015). Collection method: clinical testing. Allele origin: germline.
Comment: This sequence change replaces arginine, which is basic and polar, with glutamine, which is neutral and polar, at codon 687 of the KIF7 protein (p.Arg687Gln). This variant is present in population databases (rs200123657, gnomAD 0.2%). This variant has not been reported in the literature in individuals affected with KIF7-related conditions. ClinVar contains an entry for this variant (Variation ID: 577650). Invitae Evidence Modeling of protein sequence and biophysical properties (such as structural, functional, and spatial information, amino acid conservation, physicochemical variation, residue mobility, and thermodynamic stability) indicates that this missense variant is not expected to disrupt KIF7 protein function with a negative predictive value of 80%. In summary, the available evidence is currently insufficient to determine the role of this variant in disease. Therefore, it has been classified as a Variant of Uncertain Significance.